The following is an entry in ClinVar:

NM_000540.3(RYR1):c.14303+1G>T

Gene: RYR1 (ryanodine receptor 1; plus strand). Cytogenetic location: 19q13.2.
Variant type: single nucleotide variant.
Coding change: c.14303+1G>T on transcript NM_000540.3 (MANE Select); the canonical splice donor site of the intron after coding-DNA position 14303, G replaced by T.
Molecular consequence: splice donor variant.
Genome position (GRCh38, 1-based): chr19:38,578,049, G>T. VCF-style: chr19-38578049-G-T. GRCh37 (hg19) VCF-style: chr19-39068689-G-T.
Other names: c.14288+1G>T (NM_001042723.2).
Identifiers: ClinVar variation 4075507 (VCV004075507.1).

ClinVar aggregate classification (germline): Likely pathogenic (1 of 4 stars; one submission).

Submission:

GeneDx
Classification: Likely pathogenic. Last evaluated: 2025-02-14. Review status: criteria provided, single submitter. Criteria: GeneDx Variant Classification Process June 2021. Collection method: clinical testing. Allele origin: germline. Affected: yes.
Comment: Canonical splice site variant predicted to result in a null allele in a gene for which loss of function is a known mechanism of disease; Not observed at significant frequency in large population cohorts (gnomAD); Has not been previously published as pathogenic or benign to our knowledge